The following is an entry in ClinVar:

NM_007294.3(BRCA1):c.5333-?_5406+?del

Gene: BRCA1 (BRCA1 DNA repair associated; minus strand).
Variant type: Deletion.
Coding change: c.5333-?_5406+?del on transcript NM_007294.3.
Other names: c.5333-?_5406+?del (LRG_292t1).
Identifiers: ClinVar variation 254068 (VCV000254068.1).

ClinVar aggregate classification (germline): Pathogenic (1 of 4 stars; one submission).

Conditions:
Hereditary breast ovarian cancer syndrome. Also called: Hereditary breast and ovarian cancer syndrome (HBOC); Hereditary breast and/or ovarian cancer syndrome; BRCA1- and BRCA2-Associated Hereditary Breast and Ovarian Cancer; Hereditary breast and ovarian cancer syndrome; Hereditary breast and ovarian cancer; Breast and ovarian cancer. Identifiers: Orphanet 145, MedGen C0677776, MeSH D061325, MONDO:0003582. Disease mechanism: loss of function.

Submission:

Labcorp Genetics (formerly Invitae), Labcorp
Classification: Pathogenic for Hereditary breast ovarian cancer syndrome. Last evaluated: 2016-02-05. Review status: criteria provided, single submitter. Criteria: Invitae Variant Classification Sherloc (09022015). Collection method: clinical testing. Allele origin: germline.
Comment: This sequence change is a gross deletion of the genomic region encompassing exon 21 of the BRCA1 gene. This deletion extends to both edges of the assayed region, and, although the 5' and 3' boundaries of this event are in the 20th and 21st introns, respectively, the exact breakpoints are not known. Deletion of exon 21 is expected to cause a frameshift at codon 1778, creating a premature translational stop signal (p.Asp1778Glyfs*27) that is expected to result in an absent or disrupted protein product. Gross deletions in BRCA1 are known to be pathogenic (PMID: 22544547). Exon 21 deletions have been reported in individuals and families affected by breast and ovarian cancer (PMID: 9354803, 19894111, 11462239). Exon 21 deletions are also known as exon 22 deletions (historical custom numbering) in the literature. For these reasons, this variant has been classified as Pathogenic.